The following is an entry in ClinVar:

ClinVar aggregate classification (germline): Uncertain significance. Review status: criteria provided, multiple submitters, no conflicts (2 of 4 stars). 4 submissions from 4 submitters: Uncertain significance (3). 1 of the submissions does not count toward it. Last evaluated 2026-02-16.

Conditions:
Inborn genetic diseases. Identifiers: MedGen C0950123, MeSH D030342.
Fanconi anemia (FA). Also called: Fanconi's anemia. Identifiers: Orphanet 84, MedGen C0015625, MeSH D005199, MONDO:0019391.
Fanconi anemia complementation group A (FANCA). Also called: Fanconi anemia, group A; FANCA-Related Fanconi Anemia. Identifiers: Orphanet 84, MedGen C3469521, MONDO:0009215, OMIM 227650.

Allele frequency attached by ClinVar (database versions not stated): gnomAD exomes 0.00001; ExAC 0.00001.
gnomAD v4.1: 3 of 1,613,624 alleles (0.00019%); highest among the groups gnomAD compares: South Asian, 0.0011%; no homozygotes.

Submissions (4):

Ambry Genetics
Classification: Uncertain significance for Inborn genetic diseases. Last evaluated: 2026-02-16. Review status: criteria provided, single submitter. Criteria: Ambry Variant Classification Scheme 2023. Collection method: clinical testing. Allele origin: germline.
Comment: The p.L1273V variant (also known as c.3817C>G), located in coding exon 38 of the FANCA gene, results from a C to G substitution at nucleotide position 3817. The leucine at codon 1273 is replaced by valine, an amino acid with highly similar properties. This amino acid position is conserved. In addition, this alteration is predicted to be tolerated by in silico analysis. Based on the available evidence, the clinical significance of this variant remains unclear.

Fulgent Genetics
Classification: Uncertain significance for Fanconi anemia complementation group A. Last evaluated: 2022-05-04. Review status: criteria provided, single submitter. Criteria: ACMG Guidelines, 2015. Collection method: clinical testing. Allele origin: unknown.

Labcorp Genetics (formerly Invitae), Labcorp
Classification: Uncertain significance for Fanconi anemia. Last evaluated: 2021-09-01. Review status: criteria provided, single submitter. Criteria: Invitae Variant Classification Sherloc (09022015). Collection method: clinical testing. Allele origin: germline.
Comment: This sequence change replaces leucine with valine at codon 1273 of the FANCA protein (p.Leu1273Val). The leucine residue is highly conserved and there is a small physicochemical difference between leucine and valine. This variant is present in population databases (rs759514393, ExAC 0.007%). This variant has not been reported in the literature in individuals affected with FANCA-related conditions. Algorithms developed to predict the effect of missense changes on protein structure and function are either unavailable or do not agree on the potential impact of this missense change (SIFT: "Deleterious"; PolyPhen-2: "Possibly Damaging"; Align-GVGD: "Class C0"). Algorithms developed to predict the effect of sequence changes on RNA splicing suggest that this variant may create or strengthen a splice site. In summary, the available evidence is currently insufficient to determine the role of this variant in disease. Therefore, it has been classified as a Variant of Uncertain Significance.

Natera, Inc.
Classification: Uncertain significance for Fanconi anemia. Last evaluated: 2021-09-19. Review status: no assertion criteria provided. Collection method: clinical testing. Allele origin: germline. Not counted in ClinVar's aggregate classification.

NM_000135.4(FANCA):c.3817C>G (p.Leu1273Val)

Genes: FANCA (FA complementation group A; minus strand), ZNF276 (zinc finger protein 276; plus strand). Cytogenetic location: 16q24.3.
Variant type: single nucleotide variant.
Coding change: c.3817C>G on transcript NM_000135.4 (MANE Select); coding-DNA position 3817, C replaced by G.
Protein change: p.Leu1273Val; replaces leucine 1273 with valine.
Molecular consequence: missense variant. On other transcripts: 3 prime UTR variant (2), non-coding transcript variant (4).
Genome position (GRCh38, 1-based): chr16:89,740,815, G>C on the plus strand (C>G on the coding strand, the complement: FANCA is on the minus strand). VCF-style: chr16-89740815-G-C. GRCh37 (hg19) VCF-style: chr16-89807223-G-C.
Other names: c.3817C>G, p.Leu1273Val (NM_001286167.3); c.*2569G>C (NM_001113525.2, NM_152287.4); short protein forms L1273V.
Identifiers: ClinVar variation 665807 (VCV000665807.11), dbSNP rs759514393, ClinGen allele CA8250954.